The following is an entry in ClinVar:

ClinVar aggregate classification (germline): Likely benign (1 of 4 stars; one submission).

Allele frequency attached by ClinVar (database versions not stated): gnomAD 0.00001; gnomAD exomes 0.00003; ExAC 0.00005; 1000 Genomes Project 30x 0.00031; 1000 Genomes Project 0.00040.
gnomAD v4.1: 27 of 1,610,234 alleles (0.0017%); highest among the groups gnomAD compares: South Asian, 0.024%; 1 homozygote.

Submission:

Laboratory for Molecular Medicine, Mass General Brigham Personalized Medicine
Classification: Likely benign. Last evaluated: 2013-11-06. Review status: criteria provided, single submitter. Criteria: LMM Criteria. Collection method: clinical testing. Allele origin: germline. Observed: 1 variant allele.
Comment: Gly1352Gly in Exon 31 of MYH14: This variant is not expected to have clinical si gnificance because it does not alter an amino acid residue and is not located wi thin the splice consensus sequence.

NM_001145809.2(MYH14):c.4056G>A (p.Gly1352=)

Gene: MYH14 (myosin heavy chain 14; plus strand). Cytogenetic location: 19q13.33.
Variant type: single nucleotide variant.
Coding change: c.4056G>A on transcript NM_001145809.2 (MANE Select); coding-DNA position 4056, G replaced by A.
Protein change: p.Gly1352=; no amino-acid change (glycine 1352 retained).
Molecular consequence: synonymous variant.
Genome position (GRCh38, 1-based): chr19:50,280,060, G>A. VCF-style: chr19-50280060-G-A. GRCh37 (hg19) VCF-style: chr19-50783317-G-A.
Other names: c.3957G>A, p.Gly1319= (NM_001077186.2); c.3933G>A, p.Gly1311= (NM_024729.4).
Identifiers: ClinVar variation 164187 (VCV000164187.4), dbSNP rs549322167, ClinGen allele CA176898.
Genomic context (GRCh38, chr19:50,280,060, plus strand): 5'-ACGATTGGAGGGCTTCATTCCCGTCCCTTCCCTGCAGGCTGAACTGGAGAATGTGTCTGG[G>A]GCGCTGAACGAGGCTGAGTCCAAAACCATCCGTCTTAGCAAGGAGCTGAGCAGCACAGAA-3'
Protein context (NP_001139281.1, residues 1342-1362): RAQAELENVS[Gly1352=]ALNEAESKTI